The following is an entry in ClinVar:

ClinVar aggregate classification (germline): Uncertain significance (1 of 4 stars; one submission).

Submission:

GeneDx
Classification: Uncertain significance. Last evaluated: 2022-12-07. Review status: criteria provided, single submitter. Criteria: GeneDx Variant Classification Process June 2021. Collection method: clinical testing. Allele origin: germline. Affected: yes.
Comment: In silico analysis supports that this missense variant has a deleterious effect on protein structure/function; Not observed at significant frequency in large population cohorts (gnomAD); Has not been previously published as pathogenic or benign to our knowledge

NM_001079872.2(CUL4B):c.2677T>A (p.Tyr893Asn)

Gene: CUL4B (cullin 4B; minus strand). Cytogenetic location: Xq24.
Variant type: single nucleotide variant.
Coding change: c.2677T>A on transcript NM_001079872.2 (MANE Select); coding-DNA position 2677, T replaced by A.
Protein change: p.Tyr893Asn; replaces tyrosine 893 with asparagine.
Molecular consequence: missense variant.
Genome position (GRCh38, 1-based): chrX:120,526,772, A>T on the plus strand (T>A on the coding strand, the complement: CUL4B is on the minus strand). VCF-style: chrX-120526772-A-T. GRCh37 (hg19) VCF-style: chrX-119660627-A-T.
Other names: c.2692T>A, p.Tyr898Asn (NM_001330624.2); c.2143T>A, p.Tyr715Asn (NM_001369145.1); c.2731T>A, p.Tyr911Asn (NM_003588.4); short protein forms Y715N, Y893N, Y898N, Y911N.
Identifiers: ClinVar variation 2504793 (VCV002504793.1), dbSNP rs2521031416, ClinGen allele CA414192113.